The following is an entry in ClinVar:

ClinVar aggregate classification (germline): Uncertain significance. Review status: criteria provided, single submitter (1 of 4 stars). 2 submissions from 2 submitters: Uncertain significance (1). 1 of the submissions does not count toward it. Last evaluated 2025-11-25.

Conditions:
ZC3H4-related disorder. Also called: ZC3H4-related condition.

Allele frequency attached by ClinVar (database versions not stated): gnomAD exomes 0.00012; gnomAD 0.00008; 1000 Genomes Project 0.00020; TOPMed 0.00003; 1000 Genomes Project 30x 0.00016; ExAC 0.00039.
gnomAD v4.1: 184 of 1,609,530 alleles (0.011%); highest among the groups gnomAD compares: South Asian, 0.18%; 2 homozygotes.

Submissions (2):

Ambry Genetics
Classification: Uncertain significance. Last evaluated: 2025-11-25. Review status: criteria provided, single submitter. Criteria: Ambry Variant Classification Scheme 2023. Collection method: clinical testing. Allele origin: germline.

PreventionGenetics, part of Exact Sciences
Classification: Likely benign for ZC3H4-related condition. Last evaluated: 2022-12-28. Review status: no assertion criteria provided. Collection method: clinical testing. Allele origin: germline. Not counted in ClinVar's aggregate classification.
Comment: This variant is classified as likely benign based on ACMG/AMP sequence variant interpretation guidelines (Richards et al. 2015 PMID: 25741868, with internal and published modifications).

NM_015168.2(ZC3H4):c.3059C>T (p.Pro1020Leu)

Gene: ZC3H4 (zinc finger CCCH-type containing 4; minus strand). Cytogenetic location: 19q13.32.
Variant type: single nucleotide variant.
Coding change: c.3059C>T on transcript NM_015168.2 (MANE Select); coding-DNA position 3059, C replaced by T.
Protein change: p.Pro1020Leu; replaces proline 1020 with leucine.
Molecular consequence: missense variant.
Genome position (GRCh38, 1-based): chr19:47,067,209, G>A on the plus strand (C>T on the coding strand, the complement: ZC3H4 is on the minus strand). VCF-style: chr19-47067209-G-A. GRCh37 (hg19) VCF-style: chr19-47570466-G-A.
Other names: short protein forms P1020L.
Identifiers: ClinVar variation 3051963 (VCV003051963.3), dbSNP rs546975609, ClinGen allele CA9534718.